The following is an entry in ClinVar:

NM_000626.4(CD79B):c.213C>T (p.Ser71=)

Genes: CD79B (CD79b molecule; minus strand), GH-LCR (growth hormone locus control region; plus strand). Cytogenetic location: 17q23.3.
Variant type: single nucleotide variant.
Coding change: c.213C>T on transcript NM_000626.4 (MANE Select); coding-DNA position 213, C replaced by T.
Protein change: p.Ser71=; no amino-acid change (serine 71 retained).
Molecular consequence: synonymous variant. On other transcripts: intron variant (2).
Genome position (GRCh38, 1-based): chr17:63,930,291, G>A on the plus strand (C>T on the coding strand, the complement: CD79B is on the minus strand). VCF-style: chr17-63930291-G-A. GRCh37 (hg19) VCF-style: chr17-62007651-G-A.
Other names: c.216C>T, p.Ser72= (NM_001039933.3); c.119-403C>T (NM_021602.4); c.122-403C>T (NM_001329050.2).
Identifiers: ClinVar variation 1153463 (VCV001153463.31), dbSNP rs756340178, ClinGen allele CA8708607.

ClinVar aggregate classification (germline): Likely benign. Review status: criteria provided, multiple submitters, no conflicts (2 of 4 stars). 2 submissions from 2 submitters: Likely benign (2). Last evaluated 2023-11-01.

Conditions:
Agammaglobulinemia 6, autosomal recessive (AGM6). Also called: AGAMMAGLOBULINEMIA 6; AGAMMAGLOBULINEMIA, AUTOSOMAL RECESSIVE, DUE TO CD79B DEFECT. Identifiers: MedGen C3150207, MONDO:0012987, OMIM 612692.

Allele frequency attached by ClinVar (database versions not stated): ExAC 0.00001; gnomAD 0.00001; TOPMed 0.00001.
gnomAD v4.1: 14 of 1,614,046 alleles (0.00087%); highest among the groups gnomAD compares: African/African-American, 0.0067%; no homozygotes.

Submissions (2):

CeGaT Center for Human Genetics Tuebingen
Classification: Likely benign. Last evaluated: 2023-11-01. Review status: criteria provided, single submitter. Criteria: CeGaT Center For Human Genetics Tuebingen Variant Classification Criteria Version 2. Collection method: clinical testing. Allele origin: germline. Affected: yes. Observed: 1 variant allele.
Comment: CD79B: BP4, BP7

Labcorp Genetics (formerly Invitae), Labcorp
Classification: Likely benign for Agammaglobulinemia 6, autosomal recessive. Last evaluated: 2020-05-13. Review status: criteria provided, single submitter. Criteria: Invitae Variant Classification Sherloc (09022015). Collection method: clinical testing. Allele origin: germline.